The following is an entry in ClinVar:

NM_000369.5(TSHR):c.1670T>C (p.Leu557Ser)

Genes: TSHR-AS1 (TSHR antisense RNA 1; minus strand), TSHR (thyroid stimulating hormone receptor; plus strand). Cytogenetic location: 14q31.1.
Variant type: single nucleotide variant.
Coding change: c.1670T>C on transcript NM_000369.5 (MANE Select); coding-DNA position 1670, T replaced by C.
Protein change: p.Leu557Ser; replaces leucine 557 with serine.
Molecular consequence: missense variant.
Genome position (GRCh38, 1-based): chr14:81,143,728, T>C. VCF-style: chr14-81143728-T-C. GRCh37 (hg19) VCF-style: chr14-81610072-T-C.
Other names: short protein forms L557S.
Identifiers: ClinVar variation 4993601 (VCV004993601.1).
Genomic context (GRCh38, chr14:81,143,728, plus strand): 5'-ACGCATGTGCCATCATGGTTGGGGGCTGGGTTTGCTGCTTCCTTCTCGCCCTGCTTCCTT[T>C]GGTGGGAATAAGTAGCTATGCCAAAGTCAGTATCTGCCTGCCCATGGACACCGAGACCCC-3'
Protein context (NP_000360.2, residues 547-567): VCCFLLALLP[Leu557Ser]VGISSYAKVS

ClinVar aggregate classification (germline): Uncertain significance (1 of 4 stars; one submission).

Conditions:
TSHR-related disorder. Also called: TSHR-related condition; TSHR-related disorders.

Submission:

PreventionGenetics, part of Exact Sciences
Classification: Uncertain significance for TSHR-related condition. Last evaluated: 2025-12-22. Review status: criteria provided, single submitter. Criteria: ACMG Guidelines, 2015. Collection method: clinical testing. Allele origin: germline.
Comment: The TSHR c.1670T>C variant is predicted to result in the amino acid substitution p.Leu557Ser. To our knowledge, this variant has not been reported in the literature or in a large population database (gnomAD), indicating this variant is rare. At this time, the clinical significance of this variant is uncertain due to the absence of conclusive functional and genetic evidence.